The following is an entry in ClinVar:

NM_144997.7(FLCN):c.958C>T (p.Arg320Trp)

Gene: FLCN (folliculin; minus strand). Cytogenetic location: 17p11.2.
Variant type: single nucleotide variant.
Coding change: c.958C>T on transcript NM_144997.7 (MANE Select); coding-DNA position 958, C replaced by T.
Protein change: p.Arg320Trp; replaces arginine 320 with tryptophan.
Molecular consequence: missense variant.
Genome position (GRCh38, 1-based): chr17:17,219,123, G>A on the plus strand (C>T on the coding strand, the complement: FLCN is on the minus strand). VCF-style: chr17-17219123-G-A. GRCh37 (hg19) VCF-style: chr17-17122437-G-A.
Other names: c.958C>T (LRG_325t1); c.1012C>T, p.Arg338Trp (NM_001353229.2); c.958C>T, p.Arg320Trp (NM_001353230.2, NM_001353231.2); short protein forms R320W, R338W.
Identifiers: ClinVar variation 645979 (VCV000645979.13), dbSNP rs777456756, ClinGen allele CA8416187.

ClinVar aggregate classification (germline): Conflicting classifications of pathogenicity. Review status: criteria provided, conflicting classifications (1 of 4 stars). 5 submissions from 5 submitters: Uncertain significance (3); Likely benign (2). Last evaluated 2024-12-31.

Conditions:
Birt-Hogg-Dube syndrome. Also called: Birt Hogg Dubé syndrome. Identifiers: Orphanet 122, MedGen C0346010, MONDO:0800444.
Hereditary cancer-predisposing syndrome. Also called: Neoplastic Syndromes, Hereditary; Hereditary Cancer Syndrome; Hereditary neoplastic syndrome; Tumor predisposition. Identifiers: Orphanet 140162, MedGen C0027672, MeSH D009386, MONDO:0015356.
Birt-Hogg-Dube syndrome 1 (BHD1). Also called: FIBROFOLLICULOMAS WITH TRICHODISCOMAS AND ACROCHORDONS. Identifiers: Orphanet 122, MedGen CN375946, MONDO:0800445, OMIM 135150.

Allele frequency attached by ClinVar (database versions not stated): gnomAD exomes below 0.00001 and 0.00002; gnomAD 0.00001; TOPMed 0.00001; ExAC 0.00002.
gnomAD v4.1: 7 of 1,614,046 alleles (0.00043%); highest among the groups gnomAD compares: South Asian, 0.0011%; no homozygotes.

Submissions (5):

Labcorp Genetics (formerly Invitae), Labcorp
Classification: Uncertain significance for Birt-Hogg-Dube syndrome. Last evaluated: 2024-12-31. Review status: criteria provided, single submitter. Criteria: Invitae Variant Classification Sherloc (09022015). Collection method: clinical testing. Allele origin: germline.
Comment: This sequence change replaces arginine, which is basic and polar, with tryptophan, which is neutral and slightly polar, at codon 320 of the FLCN protein (p.Arg320Trp). This variant is present in population databases (rs777456756, gnomAD 0.006%). This variant has not been reported in the literature in individuals affected with FLCN-related conditions. ClinVar contains an entry for this variant (Variation ID: 645979). An algorithm developed to predict the effect of missense changes on protein structure and function (PolyPhen-2) suggests that this variant is likely to be disruptive. In summary, the available evidence is currently insufficient to determine the role of this variant in disease. Therefore, it has been classified as a Variant of Uncertain Significance.

Myriad Genetics, Inc.
Classification: Likely benign for Birt-Hogg-Dube syndrome 1. Last evaluated: 2024-08-30. Review status: criteria provided, single submitter. Criteria: Myriad Autosomal Dominant, Autosomal Recessive and X-Linked Classification Criteria (2023). Collection method: clinical testing. Allele origin: unknown.
Comment: This variant is considered likely benign. This variant has been observed at a population frequency that is significantly greater than expected given the associated disease prevalence and penetrance.

Baylor Genetics
Classification: Uncertain significance for Birt-Hogg-Dube syndrome 1. Last evaluated: 2024-02-07. Review status: criteria provided, single submitter. Criteria: ACMG Guidelines, 2015. Collection method: clinical testing. Allele origin: unknown.

GeneDx
Classification: Uncertain significance. Last evaluated: 2023-04-17. Review status: criteria provided, single submitter. Criteria: GeneDx Variant Classification Process June 2021. Collection method: clinical testing. Allele origin: germline. Affected: yes.
Comment: Not observed at significant frequency in large population cohorts (gnomAD); In silico analysis supports that this missense variant does not alter protein structure/function; Has not been previously published as pathogenic or benign to our knowledge

Ambry Genetics
Classification: Likely benign for Hereditary cancer-predisposing syndrome. Last evaluated: 2022-06-30. Review status: criteria provided, single submitter. Criteria: Ambry Variant Classification Scheme 2023. Collection method: clinical testing. Allele origin: germline.